The following is an entry in ClinVar:

NC_000001.11:g.179576028G>A

Gene: NPHS2 (NPHS2 stomatin family member, podocin; minus strand). Cytogenetic location: 1q25.2.
Variant type: single nucleotide variant.
Genome position: GRCh38 VCF-style: chr1-179576028-G-A. GRCh37 (hg19) VCF-style: chr1-179545163-G-A.
Identifiers: ClinVar variation 1678762 (VCV001678762.5), dbSNP rs553068590, ClinGen allele CA33654423.

ClinVar aggregate classification (germline): Conflicting classifications of pathogenicity. Review status: criteria provided, conflicting classifications (1 of 4 stars). 2 submissions from 2 submitters: Uncertain significance (1); Likely benign (1). Last evaluated 2020-08-09.

Allele frequency attached by ClinVar (database versions not stated): TOPMed 0.00021; gnomAD exomes 0.00025; gnomAD 0.00026 and 0.00027; 1000 Genomes Project 0.00040; 1000 Genomes Project 30x 0.00062.

Submissions (2):

Labcorp Genetics (formerly Invitae), Labcorp
Classification: Uncertain significance. Last evaluated: 2020-08-09. Review status: criteria provided, single submitter. Criteria: Invitae Variant Classification Sherloc (09022015). Collection method: clinical testing. Allele origin: germline.
Comment: This variant occurs in a non-coding region of the NPHS2 gene. It does not change the encoded amino acid sequence of the NPHS2 protein. The frequency data for this variant in the population databases is considered unreliable, as metrics indicate insufficient coverage at this position in the ExAC database. This variant has been observed in individual(s) with steroid-resistant nephrotic syndrome (PMID: 26420286). Experimental studies and prediction algorithms are not available for this variant, and the functional significance of this non-coding change is currently unknown. In summary, the available evidence is currently insufficient to determine the role of this variant in disease. Therefore, it has been classified as a Variant of Uncertain Significance.

GeneDx
Classification: Likely benign. Last evaluated: 2019-07-11. Review status: criteria provided, single submitter. Criteria: GeneDx Variant Classification Process June 2021. Collection method: clinical testing. Allele origin: germline. Affected: yes.
Comment: See Variant Classification Assertion Criteria.

Literature cited by the submitters: PubMed 26420286 (cited by Labcorp Genetics (formerly Invitae), Labcorp).